The following is an entry in ClinVar:

ClinVar aggregate classification (germline): Uncertain significance (1 of 4 stars; one submission).

gnomAD v4.1: 2 of 1,499,274 alleles (0.00013%); highest among the groups gnomAD compares: Admixed American, 0.004%; no homozygotes.

Submission:

Labcorp Genetics (formerly Invitae), Labcorp
Classification: Uncertain significance. Last evaluated: 2025-10-18. Review status: criteria provided, single submitter. Criteria: Invitae Variant Classification Sherloc (09022015). Collection method: clinical testing. Allele origin: germline.
Comment: This sequence change replaces lysine, which is basic and polar, with glutamic acid, which is acidic and polar, at codon 73 of the NEDD4L protein (p.Lys73Glu). The frequency data for this variant in the population databases is considered unreliable, as metrics indicate poor data quality at this position in the gnomAD database. This variant has not been reported in the literature in individuals affected with NEDD4L-related conditions. Invitae Evidence Modeling of protein sequence and biophysical properties (such as structural, functional, and spatial information, amino acid conservation, physicochemical variation, residue mobility, and thermodynamic stability) indicates that this missense variant is not expected to disrupt NEDD4L protein function with a negative predictive value of 80%. In summary, the available evidence is currently insufficient to determine the role of this variant in disease. Therefore, it has been classified as a Variant of Uncertain Significance.

NM_001144967.3(NEDD4L):c.217A>G (p.Lys73Glu)

Gene: NEDD4L (NEDD4 like E3 ubiquitin protein ligase; plus strand). Cytogenetic location: 18q21.31.
Variant type: single nucleotide variant.
Coding change: c.217A>G on transcript NM_001144967.3 (MANE Select); coding-DNA position 217, A replaced by G.
Protein change: p.Lys73Glu; replaces lysine 73 with glutamic acid.
Molecular consequence: missense variant. On other transcripts: 5 prime UTR variant (5).
Genome position (GRCh38, 1-based): chr18:58,248,911, A>G. VCF-style: chr18-58248911-A-G. GRCh37 (hg19) VCF-style: chr18-55916143-A-G.
Other names: c.-147A>G (NM_001144964.1, NM_001144965.2, NM_001144966.3 and 2 more transcripts); c.193A>G, p.Lys65Glu (NM_001144968.2, NM_001144969.2); c.217A>G, p.Lys73Glu (NM_001243960.2, NM_015277.6); short protein forms K73E, K65E.
Identifiers: ClinVar variation 4755326 (VCV004755326.1).